The following is an entry in ClinVar:

NM_004371.4(COPA):c.1028A>G (p.Gln343Arg)

Gene: COPA (coat protein complex I subunit alpha; minus strand). Cytogenetic location: 1q23.2.
Variant type: single nucleotide variant.
Coding change: c.1028A>G on transcript NM_004371.4 (MANE Select); coding-DNA position 1028, A replaced by G.
Protein change: p.Gln343Arg; replaces glutamine 343 with arginine.
Molecular consequence: missense variant.
Genome position (GRCh38, 1-based): chr1:160,311,916, T>C on the plus strand (A>G on the coding strand, the complement: COPA is on the minus strand). VCF-style: chr1-160311916-T-C. GRCh37 (hg19) VCF-style: chr1-160281706-T-C.
Other names: c.1028A>G, p.Gln343Arg (NM_001098398.2); short protein forms Q343R.
Identifiers: ClinVar variation 3664887 (VCV003664887.2).

ClinVar aggregate classification (germline): Uncertain significance (1 of 4 stars; one submission).

Conditions:
Autoimmune interstitial lung disease-arthritis syndrome. Also called: Autoinflammation and autoimmunity, systemic, with immune dysregulation. Identifiers: Orphanet 444092, MedGen C5975714, MONDO:0014629.

Submission:

Labcorp Genetics (formerly Invitae), Labcorp
Classification: Uncertain significance for Autoimmune interstitial lung disease-arthritis syndrome. Last evaluated: 2024-09-24. Review status: criteria provided, single submitter. Criteria: Invitae Variant Classification Sherloc (09022015). Collection method: clinical testing. Allele origin: germline.
Comment: This sequence change replaces glutamine, which is neutral and polar, with arginine, which is basic and polar, at codon 343 of the COPA protein (p.Gln343Arg). This variant is not present in population databases (gnomAD no frequency). This variant has not been reported in the literature in individuals affected with COPA-related conditions. Invitae Evidence Modeling of protein sequence and biophysical properties (such as structural, functional, and spatial information, amino acid conservation, physicochemical variation, residue mobility, and thermodynamic stability) indicates that this missense variant is not expected to disrupt COPA protein function with a negative predictive value of 80%. In summary, the available evidence is currently insufficient to determine the role of this variant in disease. Therefore, it has been classified as a Variant of Uncertain Significance.